The following is an entry in ClinVar:

ClinVar aggregate classification (germline): Uncertain significance (1 of 4 stars; one submission).

Submission:

GeneDx
Classification: Uncertain significance. Last evaluated: 2020-02-17. Review status: criteria provided, single submitter. Criteria: GeneDx Variant Classification Process June 2021. Collection method: clinical testing. Allele origin: germline. Affected: yes.
Comment: Not observed in large population cohorts (Lek et al., 2016); In silico analysis supports that this missense variant does not alter protein structure/function; Has not been previously published as pathogenic or benign to our knowledge; In silico analysis, which includes splice predictors and evolutionary conservation, suggests this variant may impact gene splicing. In the absence of RNA/functional studies, the actual effect of this sequence change is unknown.

NM_001845.6(COL4A1):c.2816A>G (p.Asp939Gly)

Gene: COL4A1 (collagen type IV alpha 1 chain; minus strand). Cytogenetic location: 13q34.
Variant type: single nucleotide variant.
Coding change: c.2816A>G on transcript NM_001845.6 (MANE Select); coding-DNA position 2816, A replaced by G.
Protein change: p.Asp939Gly; replaces aspartic acid 939 with glycine.
Molecular consequence: missense variant.
Genome position (GRCh38, 1-based): chr13:110,176,938, T>C on the plus strand (A>G on the coding strand, the complement: COL4A1 is on the minus strand). VCF-style: chr13-110176938-T-C. GRCh37 (hg19) VCF-style: chr13-110829285-T-C.
Other names: short protein forms D939G.
Identifiers: ClinVar variation 1318863 (VCV001318863.2), dbSNP rs2139163019, ClinGen allele CA388666921.